The following is an entry in ClinVar:

NM_000421.5(KRT10):c.36T>C (p.Ser12=)

Genes: KRT10 (keratin 10; minus strand), KRT10-AS1 (KRT10 antisense RNA 1; plus strand). Cytogenetic location: 17q21.2.
Variant type: single nucleotide variant.
Coding change: c.36T>C on transcript NM_000421.5 (MANE Select); coding-DNA position 36, T replaced by C.
Protein change: p.Ser12=; no amino-acid change (serine 12 retained).
Molecular consequence: synonymous variant.
Genome position (GRCh38, 1-based): chr17:40,822,550, A>G on the plus strand (T>C on the coding strand, the complement: KRT10 is on the minus strand). VCF-style: chr17-40822550-A-G. GRCh37 (hg19) VCF-style: chr17-38978802-A-G.
Other names: c.36T>C, p.Ser12= (NM_001379366.1).
Identifiers: ClinVar variation 3035570 (VCV003035570.2), dbSNP rs2508783411, ClinGen allele CA500186345.

ClinVar aggregate classification (germline): Likely benign (0 of 4 stars; one submission).

Conditions:
KRT10-related disorder. Also called: KRT10-related condition.

Submission:

PreventionGenetics, part of Exact Sciences
Classification: Likely benign for KRT10-related condition. Last evaluated: 2019-08-09. Review status: no assertion criteria provided. Collection method: clinical testing. Allele origin: germline.
Comment: This variant is classified as likely benign based on ACMG/AMP sequence variant interpretation guidelines (Richards et al. 2015 PMID: 25741868, with internal and published modifications).